The following is an entry in ClinVar:

NM_001267550.2(TTN):c.87371G>A (p.Gly29124Asp)

Genes: TTN (titin; minus strand), TTN-AS1 (TTN antisense RNA 1; plus strand). Cytogenetic location: 2q31.2.
Variant type: single nucleotide variant.
Coding change: c.87371G>A on transcript NM_001267550.2 (MANE Select); coding-DNA position 87371, G replaced by A.
Protein change: p.Gly29124Asp; replaces glycine 29124 with aspartic acid.
Molecular consequence: missense variant.
Genome position (GRCh38, 1-based): chr2:178,557,983, C>T on the plus strand (G>A on the coding strand, the complement: TTN is on the minus strand). VCF-style: chr2-178557983-C-T. GRCh37 (hg19) VCF-style: chr2-179422710-C-T.
Other names: c.82448G>A, p.Gly27483Asp (NM_001256850.1); c.60176G>A, p.Gly20059Asp (NM_003319.4); c.79667G>A, p.Gly26556Asp (NM_133378.4); c.60551G>A, p.Gly20184Asp (NM_133432.3); c.60752G>A, p.Gly20251Asp (NM_133437.4); short protein forms G20059D, G20184D, G20251D, G26556D, G27483D, G29124D.
Identifiers: ClinVar variation 4854120 (VCV004854120.2).

ClinVar aggregate classification (germline): Uncertain significance. Review status: criteria provided, multiple submitters, no conflicts (2 of 4 stars). 2 submissions from 2 submitters: Uncertain significance (2). Last evaluated 2025-05-15.

Conditions:
Hypertrophic cardiomyopathy 9. Also called: Familial hypertrophic cardiomyopathy 9. Identifiers: MedGen C1861065, MONDO:0013412, OMIM 613765.

gnomAD v4.1: 1 of 1,613,622 alleles (0.000062%); highest among the groups gnomAD compares: Non-Finnish European, 0.000085%; no homozygotes.

Submissions (2):

3billion
Classification: Uncertain significance for Hypertrophic cardiomyopathy 9. Last evaluated: 2025-05-15. Review status: criteria provided, single submitter. Criteria: ACMG Guidelines, 2015. Collection method: clinical testing. Allele origin: germline. Affected: yes.
Comment: The variant is observed at an extremely low frequency in the gnomAD v4.1.0 dataset (total allele frequency: <0.001%). Predicted Consequence/Location: Missense variant. The majority of the known disease-causing variants of this gene are variants expected to result in premature termination of the protein. In silico tool predictions suggest damaging effect of the variant on gene or gene product [REVEL: 0.77 (>=0.6, sensitivity 0.68 and specificity 0.92)]. Therefore, this variant is classified as VUS according to the recommendation of ACMG/AMP guideline.

Blueprint Genetics
Classification: Uncertain significance. Last evaluated: 2024-08-26. Review status: criteria provided, single submitter. Criteria: ACMG Guidelines, 2015. Collection method: clinical testing. Allele origin: germline.